The following is an entry in ClinVar:

ClinVar aggregate classification (germline): Uncertain significance (1 of 4 stars; one submission).

Conditions:
Hereditary cancer-predisposing syndrome. Also called: Tumor predisposition; Hereditary Cancer Syndrome; Neoplastic Syndromes, Hereditary; Hereditary neoplastic syndrome. Identifiers: Orphanet 140162, MedGen C0027672, MeSH D009386, MONDO:0015356.

Submission:

Ambry Genetics
Classification: Uncertain significance for Hereditary cancer-predisposing syndrome. Last evaluated: 2021-10-13. Review status: criteria provided, single submitter. Criteria: Ambry Variant Classification Scheme 2023. Collection method: clinical testing. Allele origin: germline.
Comment: The p.F882C variant (also known as c.2645T>G), located in coding exon 4 of the MSH6 gene, results from a T to G substitution at nucleotide position 2645. The phenylalanine at codon 882 is replaced by cysteine, an amino acid with highly dissimilar properties. This amino acid position is well conserved in available vertebrate species. In addition, the in silico prediction for this alteration is inconclusive. Since supporting evidence is limited at this time, the clinical significance of this alteration remains unclear.

NM_000179.3(MSH6):c.2645T>G (p.Phe882Cys)

Gene: MSH6 (mutS homolog 6; plus strand). Cytogenetic location: 2p16.3.
Variant type: single nucleotide variant.
Coding change: c.2645T>G on transcript NM_000179.3 (MANE Select); coding-DNA position 2645, T replaced by G.
Protein change: p.Phe882Cys; replaces phenylalanine 882 with cysteine.
Molecular consequence: missense variant.
Genome position (GRCh38, 1-based): chr2:47,800,628, T>G. VCF-style: chr2-47800628-T-G. GRCh37 (hg19) VCF-style: chr2-48027767-T-G.
Other names: c.2255T>G, p.Phe752Cys (NM_001281492.2); c.1739T>G, p.Phe580Cys (NM_001281493.2, NM_001281494.2, NM_001406811.1 and 6 more transcripts); c.2741T>G, p.Phe914Cys (NM_001406795.1, NM_001406802.1); c.2645T>G, p.Phe882Cys (NM_001406796.1, NM_001406798.1, NM_001406800.1 and 2 more transcripts); c.2348T>G, p.Phe783Cys (NM_001406797.1, NM_001406801.1, NM_001406805.1 and 10 more transcripts); c.2120T>G, p.Phe707Cys (NM_001406799.1, NM_001406806.1, NM_001406807.1); c.2567T>G, p.Phe856Cys (NM_001406804.1); c.2651T>G, p.Phe884Cys (NM_001406813.1); and 1 more; short protein forms F826C, F580C, F707C, F752C, F856C, F783C, F882C, F884C.
Identifiers: ClinVar variation 1794241 (VCV001794241.2), dbSNP rs2104416752, ClinGen allele CA346755136.
Genomic context (GRCh38, chr2:47,800,628, plus strand): 5'-TGGAAGGATTCAAAGTAATGTGTAAAATTATAGGGATCATGGAAGAAGTTGCTGATGGTT[T>G]TAAGTCTAAAATCCTTAAGCAGGTCATCTCTCTGCAGACAAAAAATCCTGAAGGTCGTTT-3'
Protein context (NP_000170.1, residues 872-892): IGIMEEVADG[Phe882Cys]KSKILKQVIS